The following is an entry in ClinVar:

NC_000010.10:g.(?_88514773)_(88598738_?)dup

Gene: BMPR1A (bone morphogenetic protein receptor type 1A; plus strand). Cytogenetic location: 10q23.2.
Variant type: Duplication.
Identifiers: ClinVar variation 1056167 (VCV001056167.6).

ClinVar aggregate classification (germline): Uncertain significance (1 of 4 stars; one submission).

Conditions:
Juvenile polyposis syndrome (JPS). Identifiers: Orphanet 2929, MedGen C0345893, MONDO:0017380, OMIM 174900.

Submission:

Labcorp Genetics (formerly Invitae), Labcorp
Classification: Uncertain significance for Juvenile polyposis syndrome. Last evaluated: 2021-06-28. Review status: criteria provided, single submitter. Criteria: Invitae Variant Classification Sherloc (09022015). Collection method: clinical testing. Allele origin: germline.
Comment: This variant occurs in a non-coding region of the BMPR1A gene. It does not change the encoded amino acid sequence of the BMPR1A protein. This variant has not been reported in the literature in individuals with BMPR1A-related conditions. Experimental studies and prediction algorithms are not available for this variant, and the functional significance of this non-coding change is currently unknown. In summary, the available evidence is currently insufficient to determine the role of this variant in disease. Therefore, it has been classified as a Variant of Uncertain Significance.